The following is an entry in ClinVar:

NM_000492.4(CFTR):c.1530_1531del (p.Ser511fs)

Genes: CFTR-AS1 (CFTR antisense RNA 1; minus strand), CFTR (CF transmembrane conductance regulator; plus strand). Cytogenetic location: 7q31.2.
Variant type: Deletion.
Coding change: c.1530_1531del on transcript NM_000492.4 (MANE Select); coding-DNA positions 1530 to 1531, 2 bases deleted (TT; older notation c.1530_1531delTT).
Protein change: p.Ser511fs; shifts the reading frame from serine 511.
Molecular consequence: frameshift variant.
Genome position (GRCh38, 1-based): chr7:117,559,601-117,559,602, TT deleted; deleting any 2 consecutive bases within chr7:117,559,600-117,559,602 gives the same sequence; the c. name uses the placement nearest the transcript's 3' end. VCF-style (leftmost placement, unchanged base first): chr7-117559599-GTT-G. GRCh37 (hg19) VCF-style: chr7-117199653-GTT-G.
Other names: short protein forms S511fs.
Identifiers: ClinVar variation 618924 (VCV000618924.6), dbSNP rs1562898471, ClinGen allele CA913190000.

ClinVar aggregate classification (germline): Pathogenic. Review status: criteria provided, single submitter (1 of 4 stars). 2 submissions from 2 submitters: Pathogenic (1). 1 of the submissions does not count toward it. Last evaluated 2018-11-05.

Conditions:
Cystic fibrosis (CF). Also called: MUCOVISCIDOSIS. Identifiers: Orphanet 586, MedGen C0010674, MONDO:0009061, OMIM 219700. Disease mechanism: loss of function.

Submissions (2):

Mendelics
Classification: Pathogenic for Cystic fibrosis. Last evaluated: 2018-11-05. Review status: criteria provided, single submitter. Criteria: Mendelics Assertion Criteria 2017. Collection method: clinical testing. Allele origin: unknown. Affected: yes.

Centro de Desenvolvimento Científico e Tecnológico, Secretaria da Saúde do Estado do Rio Grande do Sul
Classification: Pathogenic for Cystic fibrosis. Last evaluated: 2019-05-13. Review status: no assertion criteria provided. Collection method: research. Allele origin: germline. Inheritance: Autosomal recessive inheritance. Affected: yes. Observed: 1 compound heterozygote. Not counted in ClinVar's aggregate classification.
Comment: The g.98818_98819del (NG_016465.4) variant was discovered in exon 11 of the CFTR gene, by Sanger sequencing, in which two thymine was deleted in heterozygous state. As a result, this deletion formed the premature termination codon UGA after replacing serine for leucine. In silico analysis in MutationTaster suggests that this deletion can alter functions of key regions such as the ATP-binding domain and the PDZ-binding domain. Furthermore, this premature termination codon promotes a loss of approximately 65% of full-length CFTR protein, resulting in nonsense-mediated mRNA decay (NMD).